The following is an entry in ClinVar:

ClinVar aggregate classification (germline): Uncertain significance (1 of 4 stars; one submission).

Allele frequency attached by ClinVar (database versions not stated): gnomAD exomes below 0.00001.
gnomAD v4.1: 1 of 1,611,824 alleles (0.000062%); highest among the groups gnomAD compares: East Asian, 0.0022%; no homozygotes.

Submission:

Women's Health and Genetics/Laboratory Corporation of America, LabCorp
Classification: Uncertain significance. Last evaluated: 2017-10-31. Review status: criteria provided, single submitter. Criteria: LabCorp Variant Classification Summary - May 2015. Collection method: clinical testing. Allele origin: germline.
Comment: Variant summary: The SMN1 c.835-13A>G variant involves the alteration of a non-conserved intronic nucleotide and 4/5 splice prediction tools predict no significant impact on normal splicing. However, these predictions have yet to be confirmed by functional studies. This variant is absent in 243080 control chromosomes (gnomAD). The variant of interest has not, to our knowledge, been reported in affected individuals via publications and/or reputable databases/clinical diagnostic laboratories; nor evaluated for functional impact by in vivo/vitro studies. Because of the absence of clinical information and the lack of functional studies, the variant is classified as a "Variant of Uncertain Significance (VUS)," until additional information becomes available.

NM_000344.4(SMN1):c.835-13A>G

Gene: SMN1 (survival of motor neuron 1, telomeric). Cytogenetic location: 5q13.2.
Variant type: single nucleotide variant.
Coding change: c.835-13A>G on transcript NM_000344.4 (MANE Select); 13 bases into the intron before coding-DNA position 835, A replaced by G.
Molecular consequence: intron variant.
Genome position (GRCh38, 1-based): chr5:70,951,928, A>G. VCF-style: chr5-70951928-A-G. GRCh37 (hg19) VCF-style: chr5-70247755-A-G.
Other names: c.835-511A>G (NM_001297715.1); c.739-13A>G (NM_022874.2).
Identifiers: ClinVar variation 633421 (VCV000633421.1), dbSNP rs1561503068, ClinGen allele CA913189606.